The following is an entry in ClinVar:

NM_024312.5(GNPTAB):c.2211del (p.Arg737fs)

Gene: GNPTAB (N-acetylglucosamine-1-phosphate transferase subunits alpha and beta; minus strand). Cytogenetic location: 12q23.2.
Variant type: Deletion.
Coding change: c.2211del on transcript NM_024312.5 (MANE Select); coding-DNA position 2211, one base deleted (A; older notation c.2211delA).
Protein change: p.Arg737fs; shifts the reading frame from arginine 737.
Molecular consequence: frameshift variant.
Genome position (GRCh38, 1-based): chr12:101,764,706, T deleted on the plus strand (A on the coding strand, the reverse complement: GNPTAB is on the minus strand). VCF-style (leftmost placement, unchanged base first): chr12-101764705-AT-A. GRCh37 (hg19) VCF-style: chr12-102158483-AT-A.
Other names: short protein forms R737fs.
Identifiers: ClinVar variation 1724567 (VCV001724567.3), dbSNP rs2547957228, ClinGen allele CA2580085671.

ClinVar aggregate classification (germline): Likely pathogenic (1 of 4 stars; one submission).

Conditions:
GNPTAB-mucolipidosis. Also called: UDP-N-acetylglucosamine-1-phosphotransferase subunit alpha/beta deficiency. Identifiers: MedGen CN322573, MONDO:0100122.

Submission:

Myriad Genetics, Inc.
Classification: Likely pathogenic for GNPTAB-mucolipidosis. Last evaluated: 2022-02-19. Review status: criteria provided, single submitter. Criteria: Myriad Autosomal Dominant, Autosomal Recessive and X-Linked Classification Criteria (2023). Collection method: clinical testing. Allele origin: unknown.
Comment: NM_024312.4(GNPTAB):c.2211delA(R737Sfs*4) is expected to be pathogenic in the context of GNPTAB-related disorders. This variant is predicted to lead to an abnormal or absent protein product due to the creation of a premature termination codon in GNPTAB, a gene where loss-of-function variants are known to be pathogenic. Please note: this variant was assessed in the context of healthy population screening.